The following is an entry in ClinVar:

ClinVar aggregate classification (germline): Likely pathogenic (1 of 4 stars; one submission).

Conditions:
Osteogenesis imperfecta type I (OI1). Also called: OI, TYPE I; OSTEOGENESIS IMPERFECTA TARDA; OSTEOGENESIS IMPERFECTA WITH BLUE SCLERAE; Lobstein's Disease; Classic Non-deforming Osteogenesis Imperfecta with Blue Sclerae; Lobstein disease. Identifiers: Orphanet 216796, Orphanet 666, MedGen C0023931, MONDO:0008146, OMIM 166200. Disease mechanism: loss of function.
Ehlers-Danlos syndrome, classic type, 1 (EDSCL1). Also called: Ehlers-Danlos Syndrome, Classic Type, COL5A1-Related; EDS I; Ehlers-Danlos syndrome, type 1; EHLERS-DANLOS SYNDROME, GRAVIS TYPE; EHLERS-DANLOS SYNDROME, SEVERE CLASSIC TYPE. Identifiers: MedGen C0268335, MONDO:0019567, OMIM 130000.

Submission:

Labcorp Genetics (formerly Invitae), Labcorp
Classification: Likely pathogenic for Osteogenesis imperfecta type I; Ehlers-Danlos syndrome, classic type, 1. Last evaluated: 2018-01-16. Review status: criteria provided, single submitter. Criteria: Invitae Variant Classification Sherloc (09022015). Collection method: clinical testing. Allele origin: germline.
Comment: This sequence change replaces glycine with valine at codon 403 of the COL1A2 protein (p.Gly403Val). The glycine residue is highly conserved and there is a moderate physicochemical difference between glycine and valine. Glycine residues within the Gly-Xaa-Yaa repeats of the triple helix domain are required for the structure and stability of fibrillar collagens (PMID: 7695699, 8218237, 19344236). In COL1A2, missense variants at these glycine residues are significantly enriched in individuals with disease (PMID: 9016532, 17078022) compared to the general population (ExAC). In summary, the currently available evidence indicates that the variant is pathogenic, but additional data are needed to prove that conclusively. Therefore, this variant has been classified as Likely Pathogenic. Algorithms developed to predict the effect of missense changes on protein structure and function (SIFT, PolyPhen-2, Align-GVGD) all suggest that this variant is likely to be disruptive, but these predictions have not been confirmed by published functional studies and their clinical significance is uncertain. This variant has not been reported in the literature in individuals with COL1A2-related disease. This variant is not present in population databases (ExAC no frequency).

Literature cited by the submitters: PubMed 7695699; PubMed 8218237; PubMed 19344236; PubMed 9016532; PubMed 17078022.

NM_000089.4(COL1A2):c.1208G>T (p.Gly403Val)

Gene: COL1A2 (collagen type I alpha 2 chain; plus strand). Cytogenetic location: 7q21.3.
Variant type: single nucleotide variant.
Coding change: c.1208G>T on transcript NM_000089.4 (MANE Select); coding-DNA position 1208, G replaced by T.
Protein change: p.Gly403Val; replaces glycine 403 with valine.
Molecular consequence: missense variant.
Genome position (GRCh38, 1-based): chr7:94,410,899, G>T. VCF-style: chr7-94410899-G-T. GRCh37 (hg19) VCF-style: chr7-94040211-G-T.
Other names: short protein forms G403V.
Identifiers: ClinVar variation 570591 (VCV000570591.10), dbSNP rs1554396271, ClinGen allele CA368221381.